The following is an entry in ClinVar:

NM_000142.5(FGFR3):c.1246C>T (p.Arg416Cys)

Gene: FGFR3 (fibroblast growth factor receptor 3; plus strand). Cytogenetic location: 4p16.3.
Variant type: single nucleotide variant.
Coding change: c.1246C>T on transcript NM_000142.5 (MANE Select); coding-DNA position 1246, C replaced by T.
Protein change: p.Arg416Cys; replaces arginine 416 with cysteine.
Molecular consequence: missense variant. On other transcripts: non-coding transcript variant (1), intron variant (1).
Genome position (GRCh38, 1-based): chr4:1,804,500, C>T. VCF-style: chr4-1804500-C-T. GRCh37 (hg19) VCF-style: chr4-1806227-C-T.
Other names: c.1252C>T, p.Arg418Cys (NM_001163213.2); c.1246C>T, p.Arg416Cys (NM_001354809.2, NM_001354810.2); c.931-324C>T (NM_022965.4); short protein forms R416C, R418C.
Identifiers: ClinVar variation 2896998 (VCV002896998.3), dbSNP rs146114742, ClinGen allele CA2810321.
Genomic context (GRCh38, chr4:1,804,500, plus strand): 5'-TGCCGCCTGCGCAGCCCCCCCAAGAAAGGCCTGGGCTCCCCCACCGTGCACAAGATCTCC[C>T]GCTTCCCGCTCAAGCGACAGGTAACAGAAAGTAGATACCAGGTTCTGAGCTGCCTGCCCG-3'
Protein context (NP_000133.1, residues 406-426): LGSPTVHKIS[Arg416Cys]FPLKRQVSLE

ClinVar aggregate classification (germline): Uncertain significance (1 of 4 stars; one submission).

Allele frequency attached by ClinVar (database versions not stated): gnomAD exomes 0.00001; ExAC 0.00002; gnomAD 0.00003; TOPMed 0.00005; ESP Exome Variant Server 0.00008.
gnomAD v4.1: 18 of 1,612,802 alleles (0.0011%); highest among the groups gnomAD compares: South Asian, 0.0055%; no homozygotes.

Submission:

Labcorp Genetics (formerly Invitae), Labcorp
Classification: Uncertain significance. Last evaluated: 2024-01-12. Review status: criteria provided, single submitter. Criteria: Invitae Variant Classification Sherloc (09022015). Collection method: clinical testing. Allele origin: germline.
Comment: This sequence change replaces arginine, which is basic and polar, with cysteine, which is neutral and slightly polar, at codon 416 of the FGFR3 protein (p.Arg416Cys). This variant is present in population databases (rs146114742, gnomAD 0.006%). This variant has not been reported in the literature in individuals affected with FGFR3-related conditions. Advanced modeling of protein sequence and biophysical properties (such as structural, functional, and spatial information, amino acid conservation, physicochemical variation, residue mobility, and thermodynamic stability) has been performed at Invitae for this missense variant, however the output from this modeling did not meet the statistical confidence thresholds required to predict the impact of this variant on FGFR3 protein function. In summary, the available evidence is currently insufficient to determine the role of this variant in disease. Therefore, it has been classified as a Variant of Uncertain Significance.